The following is an entry in ClinVar:

ClinVar aggregate classification (germline): Conflicting classifications of pathogenicity. Review status: criteria provided, conflicting classifications (1 of 4 stars). 3 submissions from 3 submitters: Uncertain significance (2); Likely benign (1). Last evaluated 2026-06-10.

Conditions:
Cardiovascular phenotype. Identifiers: MedGen CN230736.
RIT1-related disorder. Also called: RIT1-related condition.
Noonan syndrome 8 (NS8). Identifiers: Orphanet 648, MedGen C3809233, MONDO:0014143, OMIM 615355.

Allele frequency attached by ClinVar (database versions not stated): gnomAD exomes below 0.00001; gnomAD 0.00001; TOPMed 0.00001.
gnomAD v4.1: 9 of 1,614,126 alleles (0.00056%); highest among the groups gnomAD compares: Admixed American, 0.0017%; no homozygotes.

Submissions (3):

PreventionGenetics, part of Exact Sciences
Classification: Uncertain significance for RIT1-related condition. Last evaluated: 2026-06-10. Review status: criteria provided, single submitter. Criteria: ACMG Guidelines, 2015. Collection method: clinical testing. Allele origin: germline.
Comment: The RIT1 c.86G>A variant is predicted to result in the amino acid substitution p.Cys29Tyr. To our knowledge, this variant has not been reported in the literature. This variant is reported in 0.00088% of alleles in individuals of European (Non-Finnish) descent in gnomAD. At this time, the clinical significance of this variant is uncertain due to the absence of conclusive functional and genetic evidence.

Ambry Genetics
Classification: Likely benign for Cardiovascular phenotype. Last evaluated: 2025-05-15. Review status: criteria provided, single submitter. Criteria: Ambry Variant Classification Scheme 2023. Collection method: clinical testing. Allele origin: germline.

Labcorp Genetics (formerly Invitae), Labcorp
Classification: Uncertain significance for Noonan syndrome 8. Last evaluated: 2024-12-26. Review status: criteria provided, single submitter. Criteria: Invitae Variant Classification Sherloc (09022015). Collection method: clinical testing. Allele origin: germline.
Comment: This sequence change replaces cysteine, which is neutral and slightly polar, with tyrosine, which is neutral and polar, at codon 12 of the RIT1 protein (p.Cys12Tyr). This variant is present in population databases (no rsID available, gnomAD 0.0009%). This variant has not been reported in the literature in individuals affected with RIT1-related conditions. ClinVar contains an entry for this variant (Variation ID: 1364615). Invitae Evidence Modeling incorporating data from in vitro experimental studies (internal data) indicates that this missense variant is not expected to disrupt RIT1 function with a negative predictive value of 95%. In summary, the available evidence is currently insufficient to determine the role of this variant in disease. Therefore, it has been classified as a Variant of Uncertain Significance.

NM_006912.6(RIT1):c.35G>A (p.Cys12Tyr)

Gene: RIT1 (Ras like without CAAX 1; minus strand). Cytogenetic location: 1q22.
Variant type: single nucleotide variant.
Coding change: c.35G>A on transcript NM_006912.6 (MANE Select); coding-DNA position 35, G replaced by A.
Protein change: p.Cys12Tyr; replaces cysteine 12 with tyrosine.
Molecular consequence: missense variant. On other transcripts: intron variant (1).
Genome position (GRCh38, 1-based): chr1:155,910,727, C>T on the plus strand (G>A on the coding strand, the complement: RIT1 is on the minus strand). VCF-style: chr1-155910727-C-T. GRCh37 (hg19) VCF-style: chr1-155880518-C-T.
Other names: c.86G>A, p.Cys29Tyr (NM_001256821.2); c.-2-221G>A (NM_001256820.2); c.35G>A (NM_006912.4); c.86G>A (NM_001256821.1); short protein forms C12Y, C29Y.
Identifiers: ClinVar variation 1364615 (VCV001364615.10), dbSNP rs1177306699, ClinGen allele CA342776452.
Genomic context (GRCh38, chr1:155,910,727, plus strand): 5'-ACACCACCAGCACCCAGCATCACTAGTTTGTACTCCCGTGAGAGCCCAGCGGGGCTGCTA[C>T]AGCAGCTACCAACTGGGCGAGTTCCAGAATCCATTGTCCTCTTGGGGCCTTCCTCGGTTG-3'
Protein context (NP_008843.1, residues 2-22): DSGTRPVGSC[Cys12Tyr]SSPAGLSREY